The following is an entry in ClinVar:

NM_052989.3(IFT122):c.1276_1277insAATGCATG (p.Val426fs)

Gene: IFT122 (intraflagellar transport 122; plus strand). Cytogenetic location: 3q21.3.
Variant type: Insertion.
Coding change: c.1276_1277insAATGCATG on transcript NM_052989.3 (MANE Select); coding-DNA positions 1276 to 1277, AATGCATG inserted.
Protein change: p.Val426fs; shifts the reading frame from valine 426.
Molecular consequence: frameshift variant.
Genome position: GRCh38 VCF-style: chr3-129478143-G-GGAATGCAT. GRCh37 (hg19) VCF-style: chr3-129196986-G-GGAATGCAT.
Other names: c.1252_1253insAATGCATG, p.Val418fs (NM_001280541.2); c.826_827insAATGCATG, p.Val276fs (NM_001280545.2); c.649_650insAATGCATG, p.Val217fs (NM_001280546.2); c.1276_1277insAATGCATG, p.Val426fs (NM_001410808.1, NM_001410809.1); c.943_944insAATGCATG, p.Val315fs (NM_052990.3, NM_001410815.1, NM_001410817.1); c.1099_1100insAATGCATG, p.Val367fs (NM_001410810.1, NM_001410811.1, NM_001410813.1 and 1 more transcripts); c.1429_1430insAATGCATG, p.Val477fs (NM_052985.4); short protein forms V477fs, V217fs, V367fs, V426fs, V276fs, V418fs, V315fs.
Identifiers: ClinVar variation 3691668 (VCV003691668.2).

ClinVar aggregate classification (germline): Pathogenic (1 of 4 stars; one submission).

Conditions:
Cranioectodermal dysplasia 1 (CED1). Also called: LEVIN SYNDROME I. Identifiers: Orphanet 1515, MedGen C0432235, MONDO:0021093, OMIM 218330.

Submission:

Labcorp Genetics (formerly Invitae), Labcorp
Classification: Pathogenic for Cranioectodermal dysplasia 1. Last evaluated: 2024-05-25. Review status: criteria provided, single submitter. Criteria: Invitae Variant Classification Sherloc (09022015). Collection method: clinical testing. Allele origin: germline.
Comment: This sequence change creates a premature translational stop signal (p.Val477Glufs*4) in the IFT122 gene. It is expected to result in an absent or disrupted protein product. Loss-of-function variants in IFT122 are known to be pathogenic (PMID: 20493458, 23826986, 26792575). This variant is not present in population databases (gnomAD no frequency). This variant has not been reported in the literature in individuals affected with IFT122-related conditions. For these reasons, this variant has been classified as Pathogenic.

Literature cited by the submitters: PubMed 20493458; PubMed 23826986; PubMed 26792575.